The following is an entry in ClinVar:

NM_001903.5(CTNNA1):c.1536G>C (p.Leu512Phe)

Gene: CTNNA1 (catenin alpha 1; plus strand). Cytogenetic location: 5q31.2.
Variant type: single nucleotide variant.
Coding change: c.1536G>C on transcript NM_001903.5 (MANE Select); coding-DNA position 1536, G replaced by C.
Protein change: p.Leu512Phe; replaces leucine 512 with phenylalanine.
Molecular consequence: missense variant.
Genome position (GRCh38, 1-based): chr5:138,917,888, G>C. VCF-style: chr5-138917888-G-C. GRCh37 (hg19) VCF-style: chr5-138253577-G-C.
Other names: c.1536G>C, p.Leu512Phe (NM_001290307.3, NM_001323982.2, NM_001323983.1 and 2 more transcripts); c.1227G>C, p.Leu409Phe (NM_001290309.3); c.1167G>C, p.Leu389Phe (NM_001290310.3); c.426G>C, p.Leu142Phe (NM_001290312.1, NM_001323987.1, NM_001323988.1 and 17 more transcripts); c.1443G>C, p.Leu481Phe (NM_001323986.2); c.87G>C, p.Leu29Phe (NM_001324006.1, NM_001324007.1, NM_001324008.1 and 2 more transcripts); c.333G>C, p.Leu111Phe (NM_001324011.1); c.183G>C, p.Leu61Phe (NM_001324012.1, NM_001324013.1); short protein forms L111F, L389F, L142F, L512F, L61F, L409F, L481F, L29F.
Identifiers: ClinVar variation 654422 (VCV000654422.8), dbSNP rs1580800530, ClinGen allele CA361137409.

ClinVar aggregate classification (germline): Uncertain significance (1 of 4 stars; one submission).

Submission:

Labcorp Genetics (formerly Invitae), Labcorp
Classification: Uncertain significance. Last evaluated: 2024-06-25. Review status: criteria provided, single submitter. Criteria: Invitae Variant Classification Sherloc (09022015). Collection method: clinical testing. Allele origin: germline.
Comment: This sequence change replaces leucine, which is neutral and non-polar, with phenylalanine, which is neutral and non-polar, at codon 512 of the CTNNA1 protein (p.Leu512Phe). This variant is not present in population databases (gnomAD no frequency). This variant has not been reported in the literature in individuals affected with CTNNA1-related conditions. ClinVar contains an entry for this variant (Variation ID: 654422). Advanced modeling of protein sequence and biophysical properties (such as structural, functional, and spatial information, amino acid conservation, physicochemical variation, residue mobility, and thermodynamic stability) performed at Invitae indicates that this missense variant is expected to disrupt CTNNA1 protein function with a positive predictive value of 80%. In summary, the available evidence is currently insufficient to determine the role of this variant in disease. Therefore, it has been classified as a Variant of Uncertain Significance.